The following is an entry in ClinVar:

NC_000011.9:g.(?_19204217)_(19213995_?)dup

Gene: CSRP3 (cysteine and glycine rich protein 3; minus strand). Cytogenetic location: 11p15.1.
Variant type: Duplication.
Identifiers: ClinVar variation 3244683 (VCV003244683.1).

ClinVar aggregate classification (germline): Uncertain significance (1 of 4 stars; one submission).

Conditions:
Dilated cardiomyopathy 1M (CMD1M). Identifiers: Orphanet 154, MedGen C1843808, MONDO:0011840, OMIM 607482.
Hypertrophic cardiomyopathy 12. Identifiers: MedGen C2677491, MONDO:0012804, OMIM 612124.

Submission:

Labcorp Genetics (formerly Invitae), Labcorp
Classification: Uncertain significance for Hypertrophic cardiomyopathy 12; Dilated cardiomyopathy 1M. Last evaluated: 2024-01-30. Review status: criteria provided, single submitter. Criteria: Invitae Variant Classification Sherloc (09022015). Collection method: clinical testing. Allele origin: unknown.
Comment: A copy number gain of the genomic region encompassing the full coding sequence of the CSRP3 gene has been identified. The boundaries of this event are unknown as they extend beyond the assayed region for this gene and therefore may encompass additional genes. As the precise location of this event is unknown, it may be in tandem or it may be located elsewhere in the genome. This variant has not been reported in the literature in individuals affected with CSRP3-related conditions. In summary, the available evidence is currently insufficient to determine the role of this variant in disease. Therefore, it has been classified as a Variant of Uncertain Significance.